The following is an entry in ClinVar:

Conditions:
Breast-ovarian cancer, familial, susceptibility to, 1 (BROVCA1). Also called: BRCA1 Hereditary Breast and Ovarian Cancer; OVARIAN CANCER, SUSCEPTIBILITY TO. Identifiers: Orphanet 145, MedGen C2676676, MONDO:0011450, OMIM 604370. Disease mechanism: loss of function.

Submission:

Brotman Baty Institute, University of Washington
No classification provided (evidence only). Condition: Breast-ovarian cancer, familial 1. Review status: no classification provided. Collection method: in vitro. Allele origin: not applicable. Functional consequence: functionally_normal.
ClinVar note: "not provided" was previously submitted as the classification for the variant. However, the classification appeared to be based only on an observation of functional data so it was converted to no classification on 2025-07-30.

NM_007294.4(BRCA1):c.5500A>G (p.Thr1834Ala)

Gene: BRCA1 (BRCA1 DNA repair associated; minus strand). Cytogenetic location: 17q21.31.
Variant type: single nucleotide variant.
Coding change: c.5500A>G on transcript NM_007294.4 (MANE Select); coding-DNA position 5500, A replaced by G.
Protein change: p.Thr1834Ala; replaces threonine 1834 with alanine.
Molecular consequence: missense variant. On other transcripts: 3 prime UTR variant (1), non-coding transcript variant (1).
Genome position (GRCh38, 1-based): chr17:43,045,770, T>C on the plus strand (A>G on the coding strand, the complement: BRCA1 is on the minus strand). VCF-style: chr17-43045770-T-C. GRCh37 (hg19) VCF-style: chr17-41197787-T-C.
Other names: c.2254A>G, p.Thr752Ala (NM_001407972.1); c.2191A>G, p.Thr731Ala (NM_001407973.1, NM_001407974.1, NM_001407975.1 and 3 more transcripts); c.2188A>G, p.Thr730Ala (NM_001407979.1, NM_001407980.1, NM_001407981.1 and 11 more transcripts); c.5356A>G, p.Thr1786Ala (NM_001407738.1, NM_001407739.1, NM_001407740.1 and 18 more transcripts); c.5353A>G, p.Thr1785Ala (NM_001407843.1, NM_001407844.1, NM_001407845.1 and 12 more transcripts); c.5287A>G, p.Thr1763Ala (NM_001407908.1, NM_001407909.1, NM_001407910.1 and 12 more transcripts); c.5284A>G, p.Thr1762Ala (NM_001407915.1, NM_001407916.1, NM_001407917.1 and 1 more transcripts); c.5248A>G, p.Thr1750Ala (NM_001407919.1); and 74 more; short protein forms T1834A, T1855A, T1787A, T730A, T1537A, T1538A, T1680A, T1721A.
Identifiers: ClinVar variation 868989 (VCV000868989.3), dbSNP rs2050880456, ClinGen allele CA10590309.